The following is an entry in ClinVar:

ClinVar aggregate classification (germline): Conflicting classifications of pathogenicity. Review status: criteria provided, conflicting classifications (1 of 4 stars). 4 submissions from 4 submitters: Uncertain significance (2); Likely benign (1). 1 of the submissions does not count toward it. Last evaluated 2025-10-14.

Conditions:
Breast-ovarian cancer, familial, susceptibility to, 4. Identifiers: Orphanet 145, MedGen C3280345, MONDO:0013669, OMIM 614291.
Hereditary cancer-predisposing syndrome. Also called: Neoplastic Syndromes, Hereditary; Tumor predisposition; Hereditary neoplastic syndrome; Hereditary Cancer Syndrome. Identifiers: Orphanet 140162, MedGen C0027672, MeSH D009386, MONDO:0015356.
Malignant tumor of breast. Also called: Malignant breast neoplasm; Cancer breast. Identifiers: MedGen C0006142, MONDO:0007254. Disease mechanism: loss of function.

Allele frequency attached by ClinVar (database versions not stated): gnomAD 0.00001; 1000 Genomes Project 30x 0.00016; 1000 Genomes Project 0.00020.
gnomAD v4.1: 7 of 1,614,066 alleles (0.00043%); highest among the groups gnomAD compares: South Asian, 0.0077%; no homozygotes.

Submissions (4):

Labcorp Genetics (formerly Invitae), Labcorp
Classification: Uncertain significance for Breast-ovarian cancer, familial, susceptibility to, 4. Last evaluated: 2025-10-14. Review status: criteria provided, single submitter. Criteria: Invitae Variant Classification Sherloc (09022015). Collection method: clinical testing. Allele origin: germline.
Comment: This sequence change replaces aspartic acid, which is acidic and polar, with glutamic acid, which is acidic and polar, at codon 256 of the RAD51D protein (p.Asp256Glu). This variant is present in population databases (rs569428131, gnomAD 0.006%). This variant has not been reported in the literature in individuals affected with RAD51D-related conditions. ClinVar contains an entry for this variant (Variation ID: 630039). Invitae Evidence Modeling of protein sequence and biophysical properties (such as structural, functional, and spatial information, amino acid conservation, physicochemical variation, residue mobility, and thermodynamic stability) indicates that this missense variant is not expected to disrupt RAD51D protein function with a negative predictive value of 80%. In summary, the available evidence is currently insufficient to determine the role of this variant in disease. Therefore, it has been classified as a Variant of Uncertain Significance.

Ambry Genetics
Classification: Likely benign for Hereditary cancer-predisposing syndrome. Last evaluated: 2024-02-26. Review status: criteria provided, single submitter. Criteria: Ambry Variant Classification Scheme 2023. Collection method: clinical testing. Allele origin: germline.

Color Diagnostics, LLC DBA Color Health
Classification: Uncertain significance for Hereditary cancer-predisposing syndrome. Last evaluated: 2023-12-04. Review status: criteria provided, single submitter. Criteria: ACMG Guidelines, 2015. Collection method: clinical testing. Allele origin: germline.
Comment: This missense variant replaces aspartic acid with glutamic acid at codon 256 of the RAD51D protein. Computational prediction suggests that this variant may not impact protein structure and function (internally defined REVEL score threshold <= 0.5, PMID: 27666373). To our knowledge, functional studies have not been reported for this variant. This variant has not been reported in individuals affected with RAD51D-related disorders in the literature. This variant has been identified in 2/251324 chromosomes in the general population by the Genome Aggregation Database (gnomAD). The available evidence is insufficient to determine the role of this variant in disease conclusively. Therefore, this variant is classified as a Variant of Uncertain Significance.

Department of Pathology and Laboratory Medicine, Sinai Health System
Classification: Uncertain significance for Malignant tumor of breast. Review status: no assertion criteria provided. Collection method: clinical testing. Allele origin: unknown. Affected: yes. Study: The Canadian Open Genetics Repository (COGR). Not counted in ClinVar's aggregate classification.
Comment: The RAD51D p.Asp256Glu variant was not identified in the literature nor was it identified in the ClinVar, or Cosmic databases. The variant was identified in dbSNP (ID: rs569428131) as â€šÃ„ÃºWith Likely benign alleleâ€šÃ„Ã¹. The variant was identified in control databases in 2 of 246106 chromosomes at a frequency of 0.000008 (Genome Aggregation Database Feb 27, 2017). It was observed in the South Asian population in 2 of 30782 chromosomes (freq: 0.0001), but not in the African, Other, Latino, European, Ashkenazi Jewish, East Asian, or Finnish populations. The p.Asp256 residue is conserved in mammals and computational analyses (PolyPhen-2, SIFT, AlignGVGD, BLOSUM, MutationTaster) do not suggest a high likelihood of impact to the protein; however, this information is not predictive enough to rule out pathogenicity. The variant occurs outside of the splicing consensus sequence and 1 of 5 in silico or computational prediction software programs (SpliceSiteFinder, MaxEntScan, NNSPLICE, GeneSplicer, HumanSpliceFinder) predict a greater than 10% difference in splicing; this is not very predictive of pathogenicity. In summary, based on the above information, the clinical significance of this variant cannot be determined with certainty at this time. This variant is classified as a variant of uncertain significance.

NM_002878.4(RAD51D):c.768C>G (p.Asp256Glu)

Genes: RAD51D (RAD51 paralog D; minus strand), RAD51L3-RFFL (RAD51L3-RFFL readthrough; minus strand). Cytogenetic location: 17q12.
Variant type: single nucleotide variant.
Coding change: c.768C>G on transcript NM_002878.4 (MANE Select); coding-DNA position 768, C replaced by G.
Protein change: p.Asp256Glu; replaces aspartic acid 256 with glutamic acid.
Molecular consequence: missense variant. On other transcripts: non-coding transcript variant (3).
Genome position (GRCh38, 1-based): chr17:35,101,336, G>C on the plus strand (C>G on the coding strand, the complement: RAD51D is on the minus strand). VCF-style: chr17-35101336-G-C. GRCh37 (hg19) VCF-style: chr17-33428355-G-C.
Other names: c.828C>G, p.Asp276Glu (NM_001142571.2); c.432C>G, p.Asp144Glu (NM_133629.3); short protein forms D256E, D144E, D276E.
Identifiers: ClinVar variation 630039 (VCV000630039.19), dbSNP rs569428131, ClinGen allele CA8499347.
Genomic context (GRCh38, chr17:35,101,336, plus strand): 5'-AATCCGAGTGCTGGGCACAAAGCTCCAGGAGCGTCCGAGGGCAGGTTTGAGCCTCCCGCT[G>C]TCCCTGTCTCGAGTTATGTGGTTGGTCACCTGCAGCAGAAACAGACTTACAGATCCATAA-3'
Protein context (NP_002869.3, residues 246-266): VVTNHITRDR[Asp256Glu]SGRLKPALGR